The following is an entry in ClinVar:

ClinVar aggregate classification (germline): Uncertain significance. Review status: criteria provided, multiple submitters, no conflicts (2 of 4 stars). 2 submissions from 2 submitters: Uncertain significance (2). Last evaluated 2025-08-20.

Conditions:
Hereditary nonpolyposis colorectal neoplasms. Identifiers: MedGen C0009405, MeSH D003123.
Hereditary cancer-predisposing syndrome. Also called: Neoplastic Syndromes, Hereditary; Tumor predisposition; Hereditary neoplastic syndrome; Hereditary Cancer Syndrome. Identifiers: Orphanet 140162, MedGen C0027672, MeSH D009386, MONDO:0015356.

Submissions (2):

Ambry Genetics
Classification: Uncertain significance for Hereditary cancer-predisposing syndrome. Last evaluated: 2025-08-20. Review status: criteria provided, single submitter. Criteria: Ambry Variant Classification Scheme 2023. Collection method: clinical testing. Allele origin: germline.
Comment: The p.S248R variant (also known as c.744T>G), located in coding exon 7 of the PMS2 gene, results from a T to G substitution at nucleotide position 744. The serine at codon 248 is replaced by arginine, an amino acid with dissimilar properties. This amino acid position is conserved. In addition, the in silico prediction for this alteration is inconclusive. Based on the available evidence, the clinical significance of this variant remains unclear.

Labcorp Genetics (formerly Invitae), Labcorp
Classification: Uncertain significance for Hereditary nonpolyposis colorectal neoplasms. Last evaluated: 2024-06-17. Review status: criteria provided, single submitter. Criteria: Invitae Variant Classification Sherloc (09022015). Collection method: clinical testing. Allele origin: germline.
Comment: This sequence change replaces serine, which is neutral and polar, with arginine, which is basic and polar, at codon 248 of the PMS2 protein (p.Ser248Arg). This variant is not present in population databases (gnomAD no frequency). This variant has not been reported in the literature in individuals affected with PMS2-related conditions. ClinVar contains an entry for this variant (Variation ID: 1389540). Advanced modeling of protein sequence and biophysical properties (such as structural, functional, and spatial information, amino acid conservation, physicochemical variation, residue mobility, and thermodynamic stability) performed at Invitae indicates that this missense variant is expected to disrupt PMS2 protein function with a positive predictive value of 80%. In summary, the available evidence is currently insufficient to determine the role of this variant in disease. Therefore, it has been classified as a Variant of Uncertain Significance.

NM_000535.7(PMS2):c.744T>G (p.Ser248Arg)

Gene: PMS2 (PMS1 homolog 2, mismatch repair system component; minus strand). Cytogenetic location: 7p22.1.
Variant type: single nucleotide variant.
Coding change: c.744T>G on transcript NM_000535.7 (MANE Select); coding-DNA position 744, T replaced by G.
Protein change: p.Ser248Arg; replaces serine 248 with arginine.
Molecular consequence: missense variant. On other transcripts: 5 prime UTR variant (2), non-coding transcript variant (1).
Genome position (GRCh38, 1-based): chr7:5,997,385, A>C on the plus strand (T>G on the coding strand, the complement: PMS2 is on the minus strand). VCF-style: chr7-5997385-A-C. GRCh37 (hg19) VCF-style: chr7-6037016-A-C.
Other names: c.339T>G, p.Ser113Arg (NM_001322003.2, NM_001322004.2, NM_001322005.2 and 2 more transcripts); c.744T>G, p.Ser248Arg (NM_001322006.2, NM_001322014.2); c.426T>G, p.Ser142Arg (NM_001322007.2, NM_001322008.2); c.-190T>G (NM_001322011.2, NM_001322012.2); c.171T>G, p.Ser57Arg (NM_001322013.2); c.435T>G, p.Ser145Arg (NM_001322015.2); c.744T>G (NM_000535.5); short protein forms S142R, S113R, S145R, S248R, S57R.
Identifiers: ClinVar variation 1389540 (VCV001389540.7), dbSNP rs1554301489, ClinGen allele CA366743723.